The following is an entry in ClinVar:

NM_144573.4(NEXN):c.422G>A (p.Arg141His)

Genes: NEXN (nexilin F-actin binding protein; plus strand), LOC126805765 (BRD4-independent group 4 enhancer GRCh37_chr1:78383688-78384887; plus strand). Cytogenetic location: 1p31.1.
Variant type: single nucleotide variant.
Coding change: c.422G>A on transcript NM_144573.4 (MANE Select); coding-DNA position 422, G replaced by A.
Protein change: p.Arg141His; replaces arginine 141 with histidine.
Molecular consequence: missense variant.
Genome position (GRCh38, 1-based): chr1:77,918,248, G>A. VCF-style: chr1-77918248-G-A. GRCh37 (hg19) VCF-style: chr1-78383933-G-A.
Other names: c.230G>A, p.Arg77His (NM_001172309.2); short protein forms R77H, R141H.
Identifiers: ClinVar variation 1371617 (VCV001371617.9), dbSNP rs761451693, ClinGen allele CA918632.
Genomic context (GRCh38, chr1:77,918,248, plus strand): 5'-CGGAGGAGGAACGAAAACGCAGAATTGAGCAGGATATGTTAGAAAAGAGGAAAATACAGC[G>A]TGAATTAGCAAAAAGGGCTGAACAGGTATCACTGAAGATTAAGTTCGTATTTGTTTCTGA-3'
Protein context (NP_653174.3, residues 131-151): QDMLEKRKIQ[Arg141His]ELAKRAEQIE

ClinVar aggregate classification (germline): Uncertain significance. Review status: criteria provided, multiple submitters, no conflicts (2 of 4 stars). 3 submissions from 3 submitters: Uncertain significance (3). Last evaluated 2026-05-06.

Conditions:
Cardiovascular phenotype. Identifiers: MedGen CN230736.
Dilated cardiomyopathy 1CC (CMD1CC). Identifiers: Orphanet 154, MedGen C2751084, MONDO:0013147, OMIM 613122.
Hypertrophic cardiomyopathy 20. Identifiers: MedGen C3151267, MONDO:0013477, OMIM 613876.
NEXN-related disorder. Also called: NEXN-related condition; NEXN-related disorders.

Allele frequency attached by ClinVar (database versions not stated): gnomAD exomes 0.00001; TOPMed 0.00001; ExAC 0.00002; gnomAD 0.00003.

Submissions (3):

PreventionGenetics, part of Exact Sciences
Classification: Uncertain significance for NEXN-related condition. Last evaluated: 2026-05-06. Review status: criteria provided, single submitter. Criteria: ACMG Guidelines, 2015. Collection method: clinical testing. Allele origin: germline.
Comment: The NEXN c.422G>A variant is predicted to result in the amino acid substitution p.Arg141His. To our knowledge, this variant has not been reported in the literature. This variant is reported in 0.0028% of alleles in individuals of Latino descent in gnomAD. At this time, the clinical significance of this variant is uncertain due to the absence of conclusive functional and genetic evidence.

Ambry Genetics
Classification: Uncertain significance for Cardiovascular phenotype. Last evaluated: 2025-07-28. Review status: criteria provided, single submitter. Criteria: Ambry Variant Classification Scheme 2023. Collection method: clinical testing. Allele origin: germline.
Comment: The p.R141H variant (also known as c.422G>A), located in coding exon 4 of the NEXN gene, results from a G to A substitution at nucleotide position 422. The arginine at codon 141 is replaced by histidine, an amino acid with highly similar properties. This amino acid position is well conserved in available vertebrate species. In addition, the in silico prediction for this alteration is inconclusive. Since supporting evidence is limited at this time, the clinical significance of this alteration remains unclear.

Labcorp Genetics (formerly Invitae), Labcorp
Classification: Uncertain significance for Dilated cardiomyopathy 1CC; Hypertrophic cardiomyopathy 20. Last evaluated: 2024-12-19. Review status: criteria provided, single submitter. Criteria: Invitae Variant Classification Sherloc (09022015). Collection method: clinical testing. Allele origin: germline.
Comment: This sequence change replaces arginine, which is basic and polar, with histidine, which is basic and polar, at codon 141 of the NEXN protein (p.Arg141His). This variant is present in population databases (rs761451693, gnomAD 0.003%). This variant has not been reported in the literature in individuals affected with NEXN-related conditions. ClinVar contains an entry for this variant (Variation ID: 1371617). Invitae Evidence Modeling of protein sequence and biophysical properties (such as structural, functional, and spatial information, amino acid conservation, physicochemical variation, residue mobility, and thermodynamic stability) indicates that this missense variant is not expected to disrupt NEXN protein function with a negative predictive value of 80%. In summary, the available evidence is currently insufficient to determine the role of this variant in disease. Therefore, it has been classified as a Variant of Uncertain Significance.